The following is an entry in ClinVar:

ClinVar aggregate classification (germline): Uncertain significance. Review status: criteria provided, multiple submitters, no conflicts (2 of 4 stars). 3 submissions from 3 submitters: Uncertain significance (3). Last evaluated 2025-10-14.

Conditions:
Xanthinuria type II. Also called: Xanthine dehydrogenase and aldehyde oxidase combined deficiency of; XDH and AOX dual deficiency. Identifiers: Orphanet 3467, Orphanet 93602, MedGen C1863688, MONDO:0011346, OMIM 603592.

gnomAD v4.1: 2 of 1,614,144 alleles (0.00012%); highest among the groups gnomAD compares: East Asian, 0.0045%; no homozygotes.

Submissions (3):

Labcorp Genetics (formerly Invitae), Labcorp
Classification: Uncertain significance for Xanthinuria type II. Last evaluated: 2025-10-14. Review status: criteria provided, single submitter. Criteria: Invitae Variant Classification Sherloc (09022015). Collection method: clinical testing. Allele origin: germline.
Comment: This sequence change replaces glutamine, which is neutral and polar, with glutamic acid, which is acidic and polar, at codon 83 of the MOCOS protein (p.Gln83Glu). This variant is present in population databases (rs546130448, gnomAD 0.01%). This variant has not been reported in the literature in individuals affected with MOCOS-related conditions. ClinVar contains an entry for this variant (Variation ID: 3583247). Invitae Evidence Modeling of protein sequence and biophysical properties (such as structural, functional, and spatial information, amino acid conservation, physicochemical variation, residue mobility, and thermodynamic stability) indicates that this missense variant is not expected to disrupt MOCOS protein function with a negative predictive value of 80%. In summary, the available evidence is currently insufficient to determine the role of this variant in disease. Therefore, it has been classified as a Variant of Uncertain Significance.

Ambry Genetics
Classification: Uncertain significance. Last evaluated: 2025-03-07. Review status: criteria provided, single submitter. Criteria: Ambry Variant Classification Scheme 2023. Collection method: clinical testing. Allele origin: germline.

Fulgent Genetics
Classification: Uncertain significance for Xanthinuria type II. Last evaluated: 2024-03-12. Review status: criteria provided, single submitter. Criteria: ACMG Guidelines, 2015. Collection method: clinical testing. Allele origin: germline.

NM_017947.4(MOCOS):c.247C>G (p.Gln83Glu)

Gene: MOCOS (molybdenum cofactor sulfurase; plus strand). Cytogenetic location: 18q12.2.
Variant type: single nucleotide variant.
Coding change: c.247C>G on transcript NM_017947.4 (MANE Select); coding-DNA position 247, C replaced by G.
Protein change: p.Gln83Glu; replaces glutamine 83 with glutamic acid.
Molecular consequence: missense variant.
Genome position (GRCh38, 1-based): chr18:36,198,704, C>G. VCF-style: chr18-36198704-C-G. GRCh37 (hg19) VCF-style: chr18-33778667-C-G.
Other names: c.247C>G (NM_017947.2); short protein forms Q83E.
Identifiers: ClinVar variation 3583247 (VCV003583247.3).